The following is an entry in ClinVar:

ClinVar aggregate classification (germline): Uncertain significance (1 of 4 stars; one submission).

Allele frequency attached by ClinVar (database versions not stated): ExAC 0.00005; gnomAD exomes 0.00005 and 0.00007; gnomAD 0.00008 and 0.00009; TOPMed 0.00008; 1000 Genomes Project 0.00020; 1000 Genomes Project 30x 0.00031; ESP Exome Variant Server 0.00031.

Submission:

Labcorp Genetics (formerly Invitae), Labcorp
Classification: Uncertain significance. Last evaluated: 2021-09-29. Review status: criteria provided, single submitter. Criteria: Invitae Variant Classification Sherloc (09022015). Collection method: clinical testing. Allele origin: germline.
Comment: In summary, the available evidence is currently insufficient to determine the role of this variant in disease. Therefore, it has been classified as a Variant of Uncertain Significance. Algorithms developed to predict the effect of missense changes on protein structure and function (SIFT, PolyPhen-2, Align-GVGD) all suggest that this variant is likely to be disruptive. This variant has not been reported in the literature in individuals affected with DLX6-related conditions. This variant is present in population databases (rs201772433, ExAC 0.008%). This sequence change replaces alanine with valine at codon 250 of the DLX6 protein (p.Ala250Val). The alanine residue is highly conserved and there is a small physicochemical difference between alanine and valine.

NM_005222.4(DLX6):c.749C>T (p.Ala250Val)

Genes: DLX6-AS1 (DLX6 antisense RNA 1; minus strand), DLX6 (distal-less homeobox 6; plus strand). Cytogenetic location: 7q21.3.
Variant type: single nucleotide variant.
Coding change: c.749C>T on transcript NM_005222.4 (MANE Select); coding-DNA position 749, C replaced by T.
Protein change: p.Ala250Val; replaces alanine 250 with valine.
Molecular consequence: missense variant.
Genome position (GRCh38, 1-based): chr7:97,009,914, C>T. VCF-style: chr7-97009914-C-T. GRCh37 (hg19) VCF-style: chr7-96639226-C-T.
Other names: short protein forms A250V.
Identifiers: ClinVar variation 1446643 (VCV001446643.6), dbSNP rs201772433, ClinGen allele CA4353853.